The following is an entry in ClinVar:

NM_032119.4(ADGRV1):c.3703A>G (p.Asn1235Asp)

Gene: ADGRV1 (adhesion G protein-coupled receptor V1; plus strand). Cytogenetic location: 5q14.3.
Variant type: single nucleotide variant.
Coding change: c.3703A>G on transcript NM_032119.4 (MANE Select); coding-DNA position 3703, A replaced by G.
Protein change: p.Asn1235Asp; replaces asparagine 1235 with aspartic acid.
Molecular consequence: missense variant. On other transcripts: non-coding transcript variant (1).
Genome position (GRCh38, 1-based): chr5:90,653,277, A>G. VCF-style: chr5-90653277-A-G. GRCh37 (hg19) VCF-style: chr5-89949094-A-G.
Other names: short protein forms N1235D.
Identifiers: ClinVar variation 2003222 (VCV002003222.4), dbSNP rs2532084528, ClinGen allele CA360398534.

ClinVar aggregate classification (germline): Uncertain significance (1 of 4 stars; one submission).

Submission:

Labcorp Genetics (formerly Invitae), Labcorp
Classification: Uncertain significance. Last evaluated: 2022-06-08. Review status: criteria provided, single submitter. Criteria: Invitae Variant Classification Sherloc (09022015). Collection method: clinical testing. Allele origin: germline.
Comment: In summary, the available evidence is currently insufficient to determine the role of this variant in disease. Therefore, it has been classified as a Variant of Uncertain Significance. Algorithms developed to predict the effect of missense changes on protein structure and function are either unavailable or do not agree on the potential impact of this missense change (SIFT: "Deleterious"; PolyPhen-2: "Possibly Damaging"; Align-GVGD: "Class C0"). This variant has not been reported in the literature in individuals affected with ADGRV1-related conditions. This variant is not present in population databases (gnomAD no frequency). This sequence change replaces asparagine, which is neutral and polar, with aspartic acid, which is acidic and polar, at codon 1235 of the ADGRV1 protein (p.Asn1235Asp).